The following is an entry in ClinVar:

NM_014709.4(USP34):c.753+1G>A

Gene: USP34 (ubiquitin specific peptidase 34; minus strand). Cytogenetic location: 2p15.
Variant type: single nucleotide variant.
Coding change: c.753+1G>A on transcript NM_014709.4 (MANE Select); the canonical splice donor site of the intron after coding-DNA position 753, G replaced by A.
Molecular consequence: splice donor variant.
Genome position (GRCh38, 1-based): chr2:61,394,852, C>T on the plus strand (G>A on the coding strand, the complement: USP34 is on the minus strand). VCF-style: chr2-61394852-C-T. GRCh37 (hg19) VCF-style: chr2-61621987-C-T.
Identifiers: ClinVar variation 4891345 (VCV004891345.1).

ClinVar aggregate classification (germline): Uncertain significance (1 of 4 stars; one submission).

Submission:

GeneDx
Classification: Uncertain significance. Last evaluated: 2023-03-30. Review status: criteria provided, single submitter. Criteria: GeneDx Variant Classification Process June 2021. Collection method: clinical testing. Allele origin: germline.
Comment: Not observed at significant frequency in large population cohorts (gnomAD); Canonical splice site variant in a gene or region of a gene for which loss of function is not a well-established mechanism of disease; Has not been previously published as pathogenic or benign to our knowledge; Variants in candidate genes are classified as variants of uncertain significance in accordance with ACMG guidelines (Richards et al., 2015)